The following is an entry in ClinVar:

ClinVar aggregate classification (germline): Likely benign. Review status: criteria provided, multiple submitters, no conflicts (2 of 4 stars). 3 submissions from 3 submitters: Likely benign (3). Last evaluated 2025-09-08.

Conditions:
DST-related disorder. Also called: DST-related disorders; DST-related condition.
Inborn genetic diseases. Identifiers: MedGen C0950123, MeSH D030342.
Epidermolysis bullosa simplex 3, localized or generalized intermediate, with BP230 deficiency (EBS3). Also called: Epidermolysis bullosa simplex, autosomal recessive 2; Epidermolysis bullosa simplex due to BP230 deficiency. Identifiers: Orphanet 412181, MedGen C3809470, MONDO:0014180, OMIM 615425.
Hereditary sensory and autonomic neuropathy type 6. Also called: Neuropathy, hereditary sensory and autonomic, type VI; HSAN VI. Identifiers: Orphanet 314381, MedGen C3539003, MONDO:0013839, OMIM 614653.

Allele frequency attached by ClinVar (database versions not stated): gnomAD 0.00003 and 0.00011; TOPMed 0.00003; gnomAD exomes 0.00045; ExAC 0.00046; 1000 Genomes Project 0.00060; 1000 Genomes Project 30x 0.00078.
gnomAD v4.1: 330 of 1,613,946 alleles (0.02%); highest among the groups gnomAD compares: South Asian, 0.28%; no homozygotes.

Submissions (3):

Labcorp Genetics (formerly Invitae), Labcorp
Classification: Likely benign for Epidermolysis bullosa simplex 3, localized or generalized intermediate, with BP230 deficiency; Hereditary sensory and autonomic neuropathy type 6. Last evaluated: 2025-09-08. Review status: criteria provided, single submitter. Criteria: Invitae Variant Classification Sherloc (09022015). Collection method: clinical testing. Allele origin: germline.

PreventionGenetics, part of Exact Sciences
Classification: Likely benign for DST-related condition. Last evaluated: 2025-01-22. Review status: criteria provided, single submitter. Criteria: ACMG Guidelines, 2015. Collection method: clinical testing. Allele origin: germline.
Comment: This variant is classified as likely benign based on ACMG/AMP sequence variant interpretation guidelines (Richards et al. 2015 PMID: 25741868, with internal and published modifications).

Ambry Genetics
Classification: Likely benign for Inborn genetic diseases. Last evaluated: 2020-03-18. Review status: criteria provided, single submitter. Criteria: Ambry Variant Classification Scheme 2023. Collection method: clinical testing. Allele origin: germline.

NM_001374736.1(DST):c.16653A>C (p.Gln5551His)

Gene: DST (dystonin; minus strand). Cytogenetic location: 6p12.1.
Variant type: single nucleotide variant.
Coding change: c.16653A>C on transcript NM_001374736.1 (MANE Select); coding-DNA position 16653, A replaced by C.
Protein change: p.Gln5551His; replaces glutamine 5551 with histidine.
Molecular consequence: missense variant.
Genome position (GRCh38, 1-based): chr6:56,536,896, T>G on the plus strand (A>C on the coding strand, the complement: DST is on the minus strand). VCF-style: chr6-56536896-T-G. GRCh37 (hg19) VCF-style: chr6-56401694-T-G.
Other names: c.10296A>C, p.Gln3432His (NM_001144769.5); c.9882A>C, p.Gln3294His (NM_001144770.2); c.16653A>C, p.Gln5551His (NM_001374722.1); c.16020A>C, p.Gln5340His (NM_001374729.1); c.9762A>C, p.Gln3254His (NM_001374730.1, NM_001386100.1, NM_183380.4); c.16680A>C, p.Gln5560His (NM_001374734.1); c.8784A>C, p.Gln2928His (NM_015548.5); short protein forms Q2928H, Q3254H, Q3294H, Q3432H, Q5340H, Q5551H, Q5560H.
Identifiers: ClinVar variation 1669058 (VCV001669058.11), dbSNP rs200345187, ClinGen allele CA3867627.